The following is an entry in ClinVar:

NM_001854.4(COL11A1):c.2590A>C (p.Asn864His)

Gene: COL11A1 (collagen type XI alpha 1 chain; minus strand). Cytogenetic location: 1p21.1.
Variant type: single nucleotide variant.
Coding change: c.2590A>C on transcript NM_001854.4 (MANE Select); coding-DNA position 2590, A replaced by C.
Protein change: p.Asn864His; replaces asparagine 864 with histidine.
Molecular consequence: missense variant. On other transcripts: non-coding transcript variant (1).
Genome position (GRCh38, 1-based): chr1:102,979,402, T>G on the plus strand (A>C on the coding strand, the complement: COL11A1 is on the minus strand). VCF-style: chr1-102979402-T-G. GRCh37 (hg19) VCF-style: chr1-103444958-T-G.
Other names: c.2473A>C, p.Asn825His (NM_001190709.2); c.2626A>C, p.Asn876His (NM_080629.3); c.2242A>C, p.Asn748His (NM_080630.4); short protein forms N876H, N825H, N864H, N748H.
Identifiers: ClinVar variation 931238 (VCV000931238.4), dbSNP rs1557897680, ClinGen allele CA341164017.

ClinVar aggregate classification (germline): Uncertain significance. Review status: criteria provided, multiple submitters, no conflicts (2 of 4 stars). 2 submissions from 2 submitters: Uncertain significance (2). Last evaluated 2022-06-21.

Conditions:
Marshall syndrome (MRSHS). Identifiers: Orphanet 560, MedGen C0265235, MONDO:0007949, OMIM 154780.

Allele frequency attached by ClinVar (database versions not stated): gnomAD exomes below 0.00001; TOPMed below 0.00001.
gnomAD v4.1: 5 of 1,610,548 alleles (0.00031%); highest among the groups gnomAD compares: Non-Finnish European, 0.00042%; no homozygotes.

Submissions (2):

Blueprint Genetics
Classification: Uncertain significance. Last evaluated: 2022-06-21. Review status: criteria provided, single submitter. Criteria: ACMG Guidelines, 2015. Collection method: clinical testing. Allele origin: germline.

Centre for Mendelian Genomics, University Medical Centre Ljubljana
Classification: Uncertain significance for Marshall syndrome. Last evaluated: 2019-11-05. Review status: criteria provided, single submitter. Criteria: ACMG Guidelines, 2015. Collection method: clinical testing. Allele origin: unknown. Affected: yes.
Comment: This variant was classified as: Uncertain significance. The available evidence on this variant's pathogenicity is insufficient or conflicting. The following ACMG criteria were applied in classifying this variant: PM2,PP3.